The following is an entry in ClinVar:

NM_032119.4(ADGRV1):c.16699G>A (p.Val5567Ile)

Gene: ADGRV1 (adhesion G protein-coupled receptor V1; plus strand). Cytogenetic location: 5q14.3.
Variant type: single nucleotide variant.
Coding change: c.16699G>A on transcript NM_032119.4 (MANE Select); coding-DNA position 16699, G replaced by A.
Protein change: p.Val5567Ile; replaces valine 5567 with isoleucine.
Molecular consequence: missense variant. On other transcripts: non-coding transcript variant (1).
Genome position (GRCh38, 1-based): chr5:90,840,665, G>A. VCF-style: chr5-90840665-G-A. GRCh37 (hg19) VCF-style: chr5-90136482-G-A.
Other names: short protein forms V5567I.
Identifiers: ClinVar variation 163624 (VCV000163624.21), dbSNP rs201677553, ClinGen allele CA176246.
Genomic context (GRCh38, chr5:90,840,665, plus strand): 5'-CGTACCATCATATCTCCAGCTATTTCTGGAAAGGATTTTGTGATAACTGAAGGCACATTG[G>A]TCTTTGAACCTGGCCAGAGAAGCACTGTATTGGATGTCATCCTAACGCCAGAGACAGGAT-3'
Protein context (NP_115495.3, residues 5557-5577): KDFVITEGTL[Val5567Ile]FEPGQRSTVL

ClinVar aggregate classification (germline): Conflicting classifications of pathogenicity. Review status: criteria provided, conflicting classifications (1 of 4 stars). 8 submissions from 8 submitters: Uncertain significance (4); Likely benign (2). 2 of the submissions do not count toward it. Last evaluated 2026-05-26.

Conditions:
ADGRV1-related disorder. Also called: ADGRV1-related condition; ADGRV1-related disorders.
Inborn genetic diseases. Identifiers: MedGen C0950123, MeSH D030342.
Usher syndrome type 2C. Also called: Usher syndrome, type 2B; USHER SYNDROME, TYPE IIC. Identifiers: Orphanet 231178, Orphanet 886, MedGen C2931213, MONDO:0011558, OMIM 605472.

Allele frequency attached by ClinVar (database versions not stated): gnomAD exomes 0.00002 and 0.00006; ExAC 0.00007; gnomAD 0.00013 and 0.00014; TOPMed 0.00016; ESP Exome Variant Server 0.00033.
gnomAD v4.1: 53 of 1,613,856 alleles (0.0033%); highest among the groups gnomAD compares: African/African-American, 0.053%; no homozygotes.

Submissions (8):

PreventionGenetics, part of Exact Sciences
Classification: Uncertain significance for ADGRV1-related condition. Last evaluated: 2026-05-26. Review status: criteria provided, single submitter. Criteria: ACMG Guidelines, 2015. Collection method: clinical testing. Allele origin: germline.
Comment: The ADGRV1 c.16699G>A variant is predicted to result in the amino acid substitution p.Val5567Ile. To our knowledge, this variant has not been reported in the literature. This variant is reported in 0.054% of alleles in individuals of African descent in gnomAD, which may be too frequent to be a primary cause of disease. Although we suspect that this variant may be benign, at this time, the clinical significance of this variant is uncertain due to the absence of conclusive functional and genetic evidence.

Labcorp Genetics (formerly Invitae), Labcorp
Classification: Likely benign. Last evaluated: 2025-12-26. Review status: criteria provided, single submitter. Criteria: Invitae Variant Classification Sherloc (09022015). Collection method: clinical testing. Allele origin: germline.

Ambry Genetics
Classification: Uncertain significance for Inborn genetic diseases. Last evaluated: 2024-06-28. Review status: criteria provided, single submitter. Criteria: Ambry Variant Classification Scheme 2023. Collection method: clinical testing. Allele origin: germline.

Blueprint Genetics
Classification: Uncertain significance. Last evaluated: 2023-10-13. Review status: criteria provided, single submitter. Criteria: ACMG Guidelines, 2015. Collection method: clinical testing. Allele origin: germline.

Illumina Laboratory Services, Illumina
Classification: Uncertain significance for Usher syndrome type 2C. Last evaluated: 2018-01-13. Review status: criteria provided, single submitter. Criteria: ICSL Variant Classification Criteria 13 December 2019. Collection method: clinical testing. Allele origin: germline.

Laboratory for Molecular Medicine, Mass General Brigham Personalized Medicine
Classification: Likely benign. Last evaluated: 2014-11-18. Review status: criteria provided, single submitter. Criteria: LMM Criteria. Collection method: clinical testing. Allele origin: germline. Observed: 1 variant allele.
Comment: p.Val5567Ile in exon 78 of GPR98 gene: This variant is not expected to have clin ical significance due to a lack of conservation across species, including mammal s. Of note, 11 mammals have an isoleucine (Ile) at this position despite high ne arby amino acid conservation. It has also been identified in 0.1% (4/3834) of A frican American chromosomes by the NHLBI Exome Sequencing Project (.; dbSNP rs201677553).

Clinical Genetics DNA and cytogenetics Diagnostics Lab, Erasmus MC, Erasmus Medical Center
Classification: Likely benign. Review status: no assertion criteria provided. Collection method: clinical testing. Allele origin: germline. Affected: yes. Study: VKGL Data-share Consensus. Not counted in ClinVar's aggregate classification.

Clinical Genetics, Academic Medical Center
Classification: Likely benign. Review status: no assertion criteria provided. Collection method: clinical testing. Allele origin: germline. Affected: yes. Study: VKGL Data-share Consensus. Not counted in ClinVar's aggregate classification.